The following is an entry in ClinVar:

NM_206933.4(USH2A):c.8200G>A (p.Val2734Met)

Gene: USH2A (usherin; minus strand). Cytogenetic location: 1q41.
Variant type: single nucleotide variant.
Coding change: c.8200G>A on transcript NM_206933.4 (MANE Select); coding-DNA position 8200, G replaced by A.
Protein change: p.Val2734Met; replaces valine 2734 with methionine.
Molecular consequence: missense variant.
Genome position (GRCh38, 1-based): chr1:215,888,449, C>T on the plus strand (G>A on the coding strand, the complement: USH2A is on the minus strand). VCF-style: chr1-215888449-C-T. GRCh37 (hg19) VCF-style: chr1-216061791-C-T.
Other names: short protein forms V2734M.
Identifiers: ClinVar variation 48594 (VCV000048594.11), dbSNP rs397518035, ClinGen allele CA143617.

ClinVar aggregate classification (germline): Uncertain significance. Review status: criteria provided, multiple submitters, no conflicts (2 of 4 stars). 9 submissions from 8 submitters: Uncertain significance (6). 3 of the submissions do not count toward it. Last evaluated 2024-12-12.

Conditions:
Usher syndrome type 2A. Also called: RETINAL DISEASE IN USHER SYNDROME TYPE IIA, MODIFIER OF; USHER SYNDROME, TYPE IIA. Identifiers: Orphanet 231178, Orphanet 886, MedGen C1848634, MONDO:0010169, OMIM 276901.
Retinitis pigmentosa 39 (RP39). Identifiers: Orphanet 791, MedGen C3151138, MONDO:0013436, OMIM 613809.

Allele frequency attached by ClinVar (database versions not stated): gnomAD exomes 0.00001.
gnomAD v4.1: 9 of 1,613,536 alleles (0.00056%); highest among the groups gnomAD compares: Admixed American, 0.0033%; no homozygotes.

Submissions (9):

GeneDx
Classification: Uncertain significance. Last evaluated: 2024-12-12. Review status: criteria provided, single submitter. Criteria: GeneDx Variant Classification Process June 2021. Collection method: clinical testing. Allele origin: germline. Affected: yes.
Comment: Reported with a second variant (phase unknown) in a patient with Usher syndrome in published literature; detailed clinical information not provided (PMID: 31816670); Not observed at significant frequency in large population cohorts (gnomAD); In silico analysis indicates that this missense variant does not alter protein structure/function; This variant is associated with the following publications: (PMID: 32707200, 29907799, 31816670)

Genome-Nilou Lab
Classification: Uncertain significance for Retinitis pigmentosa 39. Last evaluated: 2023-11-04. Review status: criteria provided, single submitter. Criteria: ACMG Guidelines, 2015. Collection method: clinical testing. Allele origin: germline. Affected: no.

Genome-Nilou Lab
Classification: Uncertain significance for Usher syndrome type 2A. Last evaluated: 2023-11-04. Review status: criteria provided, single submitter. Criteria: ACMG Guidelines, 2015. Collection method: clinical testing. Allele origin: germline. Affected: no.

Labcorp Genetics (formerly Invitae), Labcorp
Classification: Uncertain significance. Last evaluated: 2022-09-21. Review status: criteria provided, single submitter. Criteria: Invitae Variant Classification Sherloc (09022015). Collection method: clinical testing. Allele origin: germline.
Comment: This sequence change replaces valine, which is neutral and non-polar, with methionine, which is neutral and non-polar, at codon 2734 of the USH2A protein (p.Val2734Met). This variant is present in population databases (rs397518035, gnomAD 0.006%). This variant has not been reported in the literature in individuals affected with USH2A-related conditions. ClinVar contains an entry for this variant (Variation ID: 48594). Advanced modeling of protein sequence and biophysical properties (such as structural, functional, and spatial information, amino acid conservation, physicochemical variation, residue mobility, and thermodynamic stability) has been performed at Invitae for this missense variant, however the output from this modeling did not meet the statistical confidence thresholds required to predict the impact of this variant on USH2A protein function. In summary, the available evidence is currently insufficient to determine the role of this variant in disease. Therefore, it has been classified as a Variant of Uncertain Significance.

Blueprint Genetics
Classification: Uncertain significance. Last evaluated: 2022-01-04. Review status: criteria provided, single submitter. Criteria: ACMG Guidelines, 2015. Collection method: clinical testing. Allele origin: germline.

Laboratory for Molecular Medicine, Mass General Brigham Personalized Medicine
Classification: Uncertain significance. Last evaluated: 2011-08-22. Review status: criteria provided, single submitter. Criteria: LMM Criteria. Collection method: clinical testing. Allele origin: germline. Observed: 1 variant allele.
Comment: The Val2734Met variant in USH2A has not been reported in the literature nor prev iously identified by our laboratory. This residue is highly conserved across spe cies, however computational analyses (biochemical amino acid properties, PolyPhe n2, SIFT, AlignGVGD) do not provide strong support for or against pathogenicity. In summary, the clinical significance of this variant cannot be determined at t his time.

Natera, Inc.
Classification: Uncertain significance for Usher syndrome type 2A. Last evaluated: 2020-09-16. Review status: no assertion criteria provided. Collection method: clinical testing. Allele origin: germline. Not counted in ClinVar's aggregate classification.

Counsyl
Classification: Uncertain significance for Usher syndrome type 2A; Retinitis pigmentosa 39. Last evaluated: 2017-11-08. Review status: no assertion criteria provided. Collection method: clinical testing. Allele origin: unknown. Not counted in ClinVar's aggregate classification.

Division of Human Genetics, Children's Hospital of Philadelphia
Classification: Uncertain significance for Usher syndrome type 2A. Last evaluated: 2015-11-24. Review status: no assertion criteria provided. Collection method: research. Allele origin: maternal. Affected: yes. Study: CSER-PediSeq. Not counted in ClinVar's aggregate classification.